The following is an entry in ClinVar:

NM_004820.5(CYP7B1):c.1058-9T>C

Gene: CYP7B1 (cytochrome P450 family 7 subfamily B member 1; minus strand). Cytogenetic location: 8q12.3.
Variant type: single nucleotide variant.
Coding change: c.1058-9T>C on transcript NM_004820.5 (MANE Select); 9 bases into the intron before coding-DNA position 1058, T replaced by C.
Molecular consequence: intron variant.
Genome position (GRCh38, 1-based): chr8:64,604,866, A>G on the plus strand (T>C on the coding strand, the complement: CYP7B1 is on the minus strand). VCF-style: chr8-64604866-A-G. GRCh37 (hg19) VCF-style: chr8-65517423-A-G.
Other names: c.1058-9T>C (NM_004820.4, NM_001324112.2).
Identifiers: ClinVar variation 3018202 (VCV003018202.4), dbSNP rs542255158, ClinGen allele CA178386129.

ClinVar aggregate classification (germline): Likely benign. Review status: criteria provided, multiple submitters, no conflicts (2 of 4 stars). 2 submissions from 2 submitters: Likely benign (2). Last evaluated 2025-11-04.

Conditions:
CYP7B1-related disorder. Also called: CYP7B1-related condition.
Spastic paraplegia. Identifiers: MedGen C0037772, HP:0001258.

Allele frequency attached by ClinVar (database versions not stated): gnomAD exomes below 0.00001; TOPMed 0.00001; gnomAD 0.00003; 1000 Genomes Project 30x 0.00016; 1000 Genomes Project 0.00020.

Submissions (2):

PreventionGenetics, part of Exact Sciences
Classification: Likely benign for CYP7B1-related condition. Last evaluated: 2025-11-04. Review status: criteria provided, single submitter. Criteria: ACMG Guidelines, 2015. Collection method: clinical testing. Allele origin: germline.
Comment: This variant is classified as likely benign based on ACMG/AMP sequence variant interpretation guidelines (Richards et al. 2015 PMID: 25741868, with internal and published modifications).

Labcorp Genetics (formerly Invitae), Labcorp
Classification: Likely benign for Spastic paraplegia. Last evaluated: 2023-06-04. Review status: criteria provided, single submitter. Criteria: Invitae Variant Classification Sherloc (09022015). Collection method: clinical testing. Allele origin: germline.